The following is an entry in ClinVar:

ClinVar aggregate classification (germline): Uncertain significance (1 of 4 stars; one submission).

gnomAD v4.1: 1 of 1,613,900 alleles (0.000062%); highest among the groups gnomAD compares: African/African-American, 0.0013%; no homozygotes.

Submission:

GeneDx
Classification: Uncertain significance. Last evaluated: 2023-05-07. Review status: criteria provided, single submitter. Criteria: GeneDx Variant Classification Process June 2021. Collection method: clinical testing. Allele origin: germline. Affected: yes.
Comment: Not observed at significant frequency in large population cohorts (gnomAD); In silico analysis supports that this missense variant has a deleterious effect on protein structure/function; Has not been previously published as pathogenic or benign to our knowledge; Variants in candidate genes are classified as variants of uncertain significance in accordance with ACMG guidelines (Richards et al., 2015)

NM_001128.6(AP1G1):c.1604C>G (p.Thr535Ser)

Gene: AP1G1 (adaptor related protein complex 1 subunit gamma 1; minus strand). Cytogenetic location: 16q22.2.
Variant type: single nucleotide variant.
Coding change: c.1604C>G on transcript NM_001128.6 (MANE Select); coding-DNA position 1604, C replaced by G.
Protein change: p.Thr535Ser; replaces threonine 535 with serine.
Molecular consequence: missense variant.
Genome position (GRCh38, 1-based): chr16:71,748,272, G>C on the plus strand (C>G on the coding strand, the complement: AP1G1 is on the minus strand). VCF-style: chr16-71748272-G-C. GRCh37 (hg19) VCF-style: chr16-71782175-G-C.
Other names: c.1613C>G, p.Thr538Ser (NM_001030007.2); short protein forms T535S, T538S.
Identifiers: ClinVar variation 3343243 (VCV003343243.1).